The following is an entry in ClinVar:

ClinVar aggregate classification (germline): Uncertain significance (1 of 4 stars; one submission).

Conditions:
Hypertrophic cardiomyopathy 14. Identifiers: MedGen C2750467, MONDO:0013197, OMIM 613251.

Submission:

Labcorp Genetics (formerly Invitae), Labcorp
Classification: Uncertain significance for Hypertrophic cardiomyopathy 14. Last evaluated: 2025-06-11. Review status: criteria provided, single submitter. Criteria: Invitae Variant Classification Sherloc (09022015). Collection method: clinical testing. Allele origin: germline.
Comment: This sequence change replaces glutamic acid, which is acidic and polar, with aspartic acid, which is acidic and polar, at codon 500 of the MYH6 protein (p.Glu500Asp). This variant is not present in population databases (gnomAD no frequency). This variant has not been reported in the literature in individuals affected with MYH6-related conditions. Invitae Evidence Modeling of protein sequence and biophysical properties (such as structural, functional, and spatial information, amino acid conservation, physicochemical variation, residue mobility, and thermodynamic stability) indicates that this missense variant is not expected to disrupt MYH6 protein function with a negative predictive value of 80%. In summary, the available evidence is currently insufficient to determine the role of this variant in disease. Therefore, it has been classified as a Variant of Uncertain Significance.

NM_002471.4(MYH6):c.1500G>T (p.Glu500Asp)

Gene: MYH6 (myosin heavy chain 6; minus strand). Cytogenetic location: 14q11.2.
Variant type: single nucleotide variant.
Coding change: c.1500G>T on transcript NM_002471.4 (MANE Select); coding-DNA position 1500, G replaced by T.
Protein change: p.Glu500Asp; replaces glutamic acid 500 with aspartic acid.
Molecular consequence: missense variant.
Genome position (GRCh38, 1-based): chr14:23,400,337, C>A on the plus strand (G>T on the coding strand, the complement: MYH6 is on the minus strand). VCF-style: chr14-23400337-C-A. GRCh37 (hg19) VCF-style: chr14-23869546-C-A.
Other names: short protein forms E500D.
Identifiers: ClinVar variation 4743938 (VCV004743938.1).
Genomic context (GRCh38, chr14:23,400,337, plus strand): 5'-GGCCTGCAGGTCCATGCCAAAGTCAATGAATGTCCACTCAATGCCCTCCTTCTTGTACTC[C>A]TCCTGCTCCAGCACGAACATGTGGTGGTTGAAGAACTGCTGCAGCTTCTCGTTGGTGAAG-3'
Protein context (NP_002462.2, residues 490-510): FNHHMFVLEQ[Glu500Asp]EYKKEGIEWT